The following is an entry in ClinVar:

NM_014714.4(IFT140):c.3164T>C (p.Leu1055Pro)

Gene: IFT140 (intraflagellar transport 140; minus strand). Cytogenetic location: 16p13.3.
Variant type: single nucleotide variant.
Coding change: c.3164T>C on transcript NM_014714.4 (MANE Select); coding-DNA position 3164, T replaced by C.
Protein change: p.Leu1055Pro; replaces leucine 1055 with proline.
Molecular consequence: missense variant.
Genome position (GRCh38, 1-based): chr16:1,523,934, A>G on the plus strand (T>C on the coding strand, the complement: IFT140 is on the minus strand). VCF-style: chr16-1523934-A-G. GRCh37 (hg19) VCF-style: chr16-1573935-A-G.
Other names: short protein forms L1055P.
Identifiers: ClinVar variation 2110009 (VCV002110009.4), dbSNP rs2506105582, ClinGen allele CA394225760.
Genomic context (GRCh38, chr16:1,523,934, plus strand): 5'-TCGTAGTATCGGGCCGCCTCGATCATGTCCTCGGGGGAGCTCAGCAGGGCCAAGTTCATG[A>G]GCTGGTCGTCCAGGCCGTTCTCCTGCAGGGAGGGAGGCAGGGCCCTGAAGCGGCTCCCAC-3'
Protein context (NP_055529.2, residues 1045-1065): LCKENGLDDQ[Leu1055Pro]MNLALLSSPE

ClinVar aggregate classification (germline): Uncertain significance (1 of 4 stars; one submission).

Conditions:
Saldino-Mainzer syndrome (SRTD9). Also called: CONORENAL SYNDROME; Renal dysplasia, retinal pigmentary dystrophy, cerebellar ataxia and skeletal dysplasia; SHORT-RIB THORACIC DYSPLASIA 9 WITHOUT POLYDACTYLY; short-rib thoracic dysplasia 9 with or without polydactyly. Identifiers: Orphanet 140969, MedGen C1849437, MONDO:0009964, OMIM 266920.

Submission:

Labcorp Genetics (formerly Invitae), Labcorp
Classification: Uncertain significance for Saldino-Mainzer syndrome. Last evaluated: 2025-07-14. Review status: criteria provided, single submitter. Criteria: Invitae Variant Classification Sherloc (09022015). Collection method: clinical testing. Allele origin: germline.
Comment: This sequence change replaces leucine, which is neutral and non-polar, with proline, which is neutral and non-polar, at codon 1055 of the IFT140 protein (p.Leu1055Pro). This variant is not present in population databases (gnomAD no frequency). This variant has not been reported in the literature in individuals affected with IFT140-related conditions. ClinVar contains an entry for this variant (Variation ID: 2110009). Invitae Evidence Modeling of protein sequence and biophysical properties (such as structural, functional, and spatial information, amino acid conservation, physicochemical variation, residue mobility, and thermodynamic stability) has been performed for this missense variant. However, the output from this modeling did not meet the statistical confidence thresholds required to predict the impact of this variant on IFT140 protein function. In summary, the available evidence is currently insufficient to determine the role of this variant in disease. Therefore, it has been classified as a Variant of Uncertain Significance.